The following is an entry in ClinVar:

NM_000368.5(TSC1):c.1186C>A (p.Pro396Thr)

Gene: TSC1 (TSC complex subunit 1; minus strand). Cytogenetic location: 9q34.13.
Variant type: single nucleotide variant.
Coding change: c.1186C>A on transcript NM_000368.5 (MANE Select); coding-DNA position 1186, C replaced by A.
Protein change: p.Pro396Thr; replaces proline 396 with threonine.
Molecular consequence: missense variant.
Genome position (GRCh38, 1-based): chr9:132,910,648, G>T on the plus strand (C>A on the coding strand, the complement: TSC1 is on the minus strand). VCF-style: chr9-132910648-G-T. GRCh37 (hg19) VCF-style: chr9-135786035-G-T.
Other names: c.1183C>A, p.Pro395Thr (NM_001162426.2, NM_001406597.1, NM_001406598.1 and 6 more transcripts); c.1033C>A, p.Pro345Thr (NM_001162427.2, NM_001406610.1); c.823C>A, p.Pro275Thr (NM_001362177.2, NM_001406614.1, NM_001406615.1 and 5 more transcripts); c.1186C>A, p.Pro396Thr (NM_001406592.1, NM_001406593.1, NM_001406594.1 and 7 more transcripts); c.1030C>A, p.Pro344Thr (NM_001406611.1, NM_001406612.1, NM_001406613.1); c.232C>A, p.Pro78Thr (NM_001406628.1, NM_001406627.1); c.133C>A, p.Pro45Thr (NM_001406629.1, NM_001406630.1); c.820C>A, p.Pro274Thr (NM_001406620.1, NM_001406621.1, NM_001406622.1 and 2 more transcripts); and 1 more; short protein forms P274T, P275T, P344T, P345T, P395T, P396T, P45T, P78T.
Identifiers: ClinVar variation 1718180 (VCV001718180.6), dbSNP rs1845904238, ClinGen allele CA375367054.

ClinVar aggregate classification (germline): Uncertain significance. Review status: criteria provided, multiple submitters, no conflicts (2 of 4 stars). 2 submissions from 2 submitters: Uncertain significance (2). Last evaluated 2024-12-02.

Conditions:
Tuberous sclerosis 1 (TSC1). Identifiers: Orphanet 805, MedGen C1854465, MONDO:0008612, OMIM 191100.
Hereditary cancer-predisposing syndrome. Also called: Hereditary neoplastic syndrome; Tumor predisposition; Neoplastic Syndromes, Hereditary; Hereditary Cancer Syndrome. Identifiers: Orphanet 140162, MedGen C0027672, MeSH D009386, MONDO:0015356.

Allele frequency attached by ClinVar (database versions not stated): gnomAD exomes 0.00001.
gnomAD v4.1: 3 of 1,614,130 alleles (0.00019%); highest among the groups gnomAD compares: East Asian, 0.0067%; no homozygotes.

Submissions (2):

Labcorp Genetics (formerly Invitae), Labcorp
Classification: Uncertain significance for Tuberous sclerosis 1. Last evaluated: 2024-12-02. Review status: criteria provided, single submitter. Criteria: Invitae Variant Classification Sherloc (09022015). Collection method: clinical testing. Allele origin: germline.
Comment: This sequence change replaces proline, which is neutral and non-polar, with threonine, which is neutral and polar, at codon 396 of the TSC1 protein (p.Pro396Thr). This variant is not present in population databases (gnomAD no frequency). This variant has not been reported in the literature in individuals affected with TSC1-related conditions. ClinVar contains an entry for this variant (Variation ID: 1718180). Invitae Evidence Modeling of protein sequence and biophysical properties (such as structural, functional, and spatial information, amino acid conservation, physicochemical variation, residue mobility, and thermodynamic stability) indicates that this missense variant is not expected to disrupt TSC1 protein function with a negative predictive value of 95%. In summary, the available evidence is currently insufficient to determine the role of this variant in disease. Therefore, it has been classified as a Variant of Uncertain Significance.

Ambry Genetics
Classification: Uncertain significance for Hereditary cancer-predisposing syndrome. Last evaluated: 2024-10-19. Review status: criteria provided, single submitter. Criteria: Ambry Variant Classification Scheme 2023. Collection method: clinical testing. Allele origin: germline.
Comment: The p.P396T variant (also known as c.1186C>A), located in coding exon 10 of the TSC1 gene, results from a C to A substitution at nucleotide position 1186. The proline at codon 396 is replaced by threonine, an amino acid with highly similar properties. This amino acid position is conserved. In addition, the in silico prediction for this alteration is inconclusive. Based on the available evidence, the clinical significance of this variant remains unclear.